The following is an entry in ClinVar:

ClinVar aggregate classification (germline): Uncertain significance (1 of 4 stars; one submission).

Conditions:
Neuropathy, hereditary sensory and autonomic, type 2A (HSAN2A). Also called: HSAN IIA; WNK1-Related HSAN2 (HSAN2A); MORVAN DISEASE; NEUROPATHY, CONGENITAL SENSORY; NEUROPATHY, HEREDITARY SENSORY RADICULAR, AUTOSOMAL RECESSIVE; NEUROPATHY, HEREDITARY SENSORY, TYPE IIA. Identifiers: Orphanet 970, MedGen C2752089, MONDO:0024309, OMIM 201300.
Generalized epilepsy with febrile seizures plus, type 7 (GEFSP7). Also called: GEFS+, TYPE 7. Identifiers: Orphanet 36387, MedGen C2751778, MONDO:0013470, OMIM 613863.

gnomAD v4.1: 2 of 1,581,790 alleles (0.00013%); highest among the groups gnomAD compares: Non-Finnish European, 0.00017%; no homozygotes.

Submission:

Labcorp Genetics (formerly Invitae), Labcorp
Classification: Uncertain significance for Neuropathy, hereditary sensory and autonomic, type 2A; Generalized epilepsy with febrile seizures plus, type 7. Last evaluated: 2025-11-24. Review status: criteria provided, single submitter. Criteria: Invitae Variant Classification Sherloc (09022015). Collection method: clinical testing. Allele origin: germline.
Comment: This sequence change replaces threonine, which is neutral and polar, with isoleucine, which is neutral and non-polar, at codon 1280 of the SCN9A protein (p.Thr1280Ile). This variant is not present in population databases (gnomAD no frequency). This variant has not been reported in the literature in individuals affected with SCN9A-related conditions. Invitae Evidence Modeling of protein sequence and biophysical properties (such as structural, functional, and spatial information, amino acid conservation, physicochemical variation, residue mobility, and thermodynamic stability) indicates that this missense variant is not expected to disrupt SCN9A protein function with a negative predictive value of 95%. In summary, the available evidence is currently insufficient to determine the role of this variant in disease. Therefore, it has been classified as a Variant of Uncertain Significance.

NM_001365536.1(SCN9A):c.3872C>T (p.Thr1291Ile)

Genes: SCN9A (sodium voltage-gated channel alpha subunit 9; minus strand), SCN1A-AS1 (SCN1A and SCN9A antisense RNA 1; plus strand). Cytogenetic location: 2q24.3.
Variant type: single nucleotide variant.
Coding change: c.3872C>T on transcript NM_001365536.1 (MANE Select); coding-DNA position 3872, C replaced by T.
Protein change: p.Thr1291Ile; replaces threonine 1291 with isoleucine.
Molecular consequence: missense variant.
Genome position (GRCh38, 1-based): chr2:166,233,392, G>A on the plus strand (C>T on the coding strand, the complement: SCN9A is on the minus strand). VCF-style: chr2-166233392-G-A. GRCh37 (hg19) VCF-style: chr2-167089902-G-A.
Other names: c.3839C>T, p.Thr1280Ile (NM_002977.4); short protein forms T1280I, T1291I.
Identifiers: ClinVar variation 4793797 (VCV004793797.1).